The following is an entry in ClinVar:

NM_000939.4(POMC):c.178A>C (p.Met60Leu)

Genes: POMC (proopiomelanocortin; minus strand), LOC129933280 (ATAC-STARR-seq lymphoblastoid silent region 11244; plus strand). Cytogenetic location: 2p23.3.
Variant type: single nucleotide variant.
Coding change: c.178A>C on transcript NM_000939.4 (MANE Select); coding-DNA position 178, A replaced by C.
Protein change: p.Met60Leu; replaces methionine 60 with leucine.
Molecular consequence: missense variant.
Genome position (GRCh38, 1-based): chr2:25,161,707, T>G on the plus strand (A>C on the coding strand, the complement: POMC is on the minus strand). VCF-style: chr2-25161707-T-G. GRCh37 (hg19) VCF-style: chr2-25384576-T-G.
Other names: c.178A>C, p.Met60Leu (NM_001035256.3, NM_001319204.2, NM_001319205.2); short protein forms M60L.
Identifiers: ClinVar variation 4998996 (VCV004998996.1).
Genomic context (GRCh38, chr2:25,161,707, plus strand): 5'-CCATGACGTACTTCCGGGGGTTCTCGGTCAGAGGCTGCTCGTCGCCATTTCCCGGGAACA[T>G]GGGAGTCTCGGCCGAGAGGTCGGGCTTGCAGGCCCGGATGCACTCCTGGGGGAAGACGCG-3'
Protein context (NP_000930.1, residues 50-70): CKPDLSAETP[Met60Leu]FPGNGDEQPL

ClinVar aggregate classification (germline): Uncertain significance (1 of 4 stars; one submission).

Conditions:
POMC-related disorder. Also called: POMC-related condition; POMC-related disorders.

gnomAD v4.1: 1 of 1,590,104 alleles (0.000063%); highest among the groups gnomAD compares: South Asian, 0.0011%; no homozygotes.

Submission:

PreventionGenetics, part of Exact Sciences
Classification: Uncertain significance for POMC-related condition. Last evaluated: 2025-02-21. Review status: criteria provided, single submitter. Criteria: ACMG Guidelines, 2015. Collection method: clinical testing. Allele origin: germline.
Comment: The POMC c.178A>C variant is predicted to result in the amino acid substitution p.Met60Leu. This variant was observed in a cohort of individuals with obesity, and in vitro functional studies showed this variant did not reduce protein function and could cause increased function (Supplemental Data Set 3, Shah et al. 2023. PubMed ID: 36864747). This variant has not been reported in a large population database (gnomAD), indicating this variant is rare. At this time, the clinical significance of this variant is uncertain due to the absence of conclusive functional and genetic evidence.